The following is an entry in ClinVar:

NM_001182.5(ALDH7A1):c.866_871+2dup

Gene: ALDH7A1 (aldehyde dehydrogenase 7 family member A1; minus strand). Cytogenetic location: 5q23.2.
Variant type: Duplication.
Coding change: c.866_871+2dup on transcript NM_001182.5 (MANE Select); coding-DNA position 866 through the canonical splice donor site of the intron after coding-DNA position 871, 8 bases duplicated (GGTTTGGT; older notation c.866_871+2dupGGTTTGGT).
Molecular consequence: splice donor variant.
Genome position (GRCh38, 1-based): chr5:126,568,257-126,568,264, ACCAAACC duplicated on the plus strand (GGTTTGGT on the coding strand, the reverse complement: ALDH7A1 is on the minus strand). VCF-style (leftmost placement, unchanged base first): chr5-126568256-T-TACCAAACC. GRCh37 (hg19) VCF-style: chr5-125903948-T-TACCAAACC.
Other names: c.866_871+2dupGGTTTGGT (NM_001182.4); c.866_871+2dup (NM_001202404.2); c.782_787+2dup (NM_001201377.2).
Identifiers: ClinVar variation 661262 (VCV000661262.7), dbSNP rs1581378971, ClinGen allele CA915942538.

ClinVar aggregate classification (germline): Uncertain significance (1 of 4 stars; one submission).

Conditions:
Pyridoxine-dependent epilepsy (EPEO4). Also called: Pyridoxine-Dependent Seizures; EPILEPSY, EARLY-ONSET, 4, VITAMIN B6-DEPENDENT; PYRIDOXINE DEPENDENCY WITH SEIZURES; Pyridoxine-Dependent Epilepsy - ALDH7A1. Identifiers: Orphanet 3006, MedGen C1849508, MONDO:0009945, OMIM 266100. Disease mechanism: loss of function.

Submission:

Labcorp Genetics (formerly Invitae), Labcorp
Classification: Uncertain significance for Pyridoxine-dependent epilepsy. Last evaluated: 2023-03-24. Review status: criteria provided, single submitter. Criteria: Invitae Variant Classification Sherloc (09022015). Collection method: clinical testing. Allele origin: germline.
Comment: This sequence change falls in intron 9 of the ALDH7A1 gene. It does not directly change the encoded amino acid sequence of the ALDH7A1 protein. It affects a nucleotide within the consensus splice site. This variant is not present in population databases (gnomAD no frequency). This variant has not been reported in the literature in individuals affected with ALDH7A1-related conditions. ClinVar contains an entry for this variant (Variation ID: 661262). Variants that disrupt the consensus splice site are a relatively common cause of aberrant splicing (PMID: 17576681, 9536098). Algorithms developed to predict the effect of sequence changes on RNA splicing suggest that this variant may disrupt the consensus splice site. In summary, the available evidence is currently insufficient to determine the role of this variant in disease. Therefore, it has been classified as a Variant of Uncertain Significance.

Literature cited by the submitters: PubMed 17576681; PubMed 9536098.